The following is an entry in ClinVar:

NM_000550.3(TYRP1):c.587T>C (p.Val196Ala)

Gene: TYRP1 (tyrosinase related protein 1; plus strand). Cytogenetic location: 9p23.
Variant type: single nucleotide variant.
Coding change: c.587T>C on transcript NM_000550.3 (MANE Select); coding-DNA position 587, T replaced by C.
Protein change: p.Val196Ala; replaces valine 196 with alanine.
Molecular consequence: missense variant.
Genome position (GRCh38, 1-based): chr9:12,695,716, T>C. VCF-style: chr9-12695716-T-C. GRCh37 (hg19) VCF-style: chr9-12695716-T-C.
Other names: short protein forms V196A.
Identifiers: ClinVar variation 2129460 (VCV002129460.4), dbSNP rs2537276529, ClinGen allele CA372937692.

ClinVar aggregate classification (germline): Uncertain significance (1 of 4 stars; one submission).

Submission:

Labcorp Genetics (formerly Invitae), Labcorp
Classification: Uncertain significance. Last evaluated: 2022-04-22. Review status: criteria provided, single submitter. Criteria: Invitae Variant Classification Sherloc (09022015). Collection method: clinical testing. Allele origin: germline.
Comment: This sequence change replaces valine, which is neutral and non-polar, with alanine, which is neutral and non-polar, at codon 196 of the TYRP1 protein (p.Val196Ala). This variant is not present in population databases (gnomAD no frequency). This variant has not been reported in the literature in individuals affected with TYRP1-related conditions. Algorithms developed to predict the effect of missense changes on protein structure and function are either unavailable or do not agree on the potential impact of this missense change (SIFT: "Deleterious"; PolyPhen-2: "Possibly Damaging"; Align-GVGD: "Class C0"). In summary, the available evidence is currently insufficient to determine the role of this variant in disease. Therefore, it has been classified as a Variant of Uncertain Significance.